The following is an entry in ClinVar:

ClinVar aggregate classification (germline): Uncertain significance (1 of 4 stars; one submission).

Conditions:
Familial infantile myasthenia (CMS6). Also called: MYASTHENIC SYNDROME, PRESYNAPTIC, CONGENITAL, ASSOCIATED WITH EPISODIC APNEA; MYASTHENIC SYNDROME, CONGENITAL, 6, PRESYNAPTIC; Congenital myasthenic syndrome type 6. Identifiers: Orphanet 590, MedGen C0393929, MONDO:0009689, OMIM 254210.

Allele frequency attached by ClinVar (database versions not stated): gnomAD exomes below 0.00001.
gnomAD v4.1: 1 of 1,613,704 alleles (0.000062%); highest among the groups gnomAD compares: Non-Finnish European, 0.000085%; no homozygotes.

Submission:

Labcorp Genetics (formerly Invitae), Labcorp
Classification: Uncertain significance for Familial infantile myasthenia. Last evaluated: 2017-03-23. Review status: criteria provided, single submitter. Criteria: Invitae Variant Classification Sherloc (09022015). Collection method: clinical testing. Allele origin: germline.
Comment: This sequence change replaces glycine with cysteine at codon 431 of the CHAT protein (p.Gly431Cys). The glycine residue is moderately conserved and there is a large physicochemical difference between glycine and cysteine. This variant is not present in population databases (ExAC no frequency) and has not been reported in the literature in individuals with a CHAT-related disease. Algorithms developed to predict the effect of missense changes on protein structure and function do not agree on the potential impact of this missense change (SIFT: "Tolerated"; PolyPhen-2: "Probably Damaging"; Align-GVGD: "Class C0"). In summary, this variant is a novel missense change with uncertain impact on protein function. It has been classified as a Variant of Uncertain Significance.

NM_020549.5(CHAT):c.1291G>T (p.Gly431Cys)

Gene: CHAT (choline O-acetyltransferase; plus strand). Cytogenetic location: 10q11.23.
Variant type: single nucleotide variant.
Coding change: c.1291G>T on transcript NM_020549.5 (MANE Select); coding-DNA position 1291, G replaced by T.
Protein change: p.Gly431Cys; replaces glycine 431 with cysteine.
Molecular consequence: missense variant.
Genome position (GRCh38, 1-based): chr10:49,648,516, G>T. VCF-style: chr10-49648516-G-T. GRCh37 (hg19) VCF-style: chr10-50856562-G-T.
Other names: c.937G>T, p.Gly313Cys (NM_001142929.2, NM_001142934.2, NM_020984.4 and 2 more transcripts); c.1045G>T, p.Gly349Cys (NM_001142933.2); short protein forms G431C, G313C, G349C.
Identifiers: ClinVar variation 461447 (VCV000461447.1), dbSNP rs1554807467, ClinGen allele CA376742363.